The following is an entry in ClinVar:

ClinVar aggregate classification (germline): Uncertain significance (1 of 4 stars; one submission).

Conditions:
Hypertrophic cardiomyopathy. Also called: HYPERTROPHIC MYOCARDIOPATHY. Identifiers: Orphanet 217569, MedGen C0007194, MeSH D002312, MONDO:0005045, HP:0001639.

Allele frequency attached by ClinVar (database versions not stated): gnomAD exomes 0.00001.

Submission:

Labcorp Genetics (formerly Invitae), Labcorp
Classification: Uncertain significance for Hypertrophic cardiomyopathy. Last evaluated: 2021-10-09. Review status: criteria provided, single submitter. Criteria: Invitae Variant Classification Sherloc (09022015). Collection method: clinical testing. Allele origin: germline.
Comment: In summary, the available evidence is currently insufficient to determine the role of this variant in disease. Therefore, it has been classified as a Variant of Uncertain Significance. Algorithms developed to predict the effect of missense changes on protein structure and function are either unavailable or do not agree on the potential impact of this missense change (SIFT: "Deleterious"; PolyPhen-2: "Benign"; Align-GVGD: "Class C0"). This variant has not been reported in the literature in individuals affected with MYOM1-related conditions. This variant is not present in population databases (ExAC no frequency). This sequence change replaces aspartic acid with histidine at codon 153 of the MYOM1 protein (p.Asp153His). The aspartic acid residue is moderately conserved and there is a moderate physicochemical difference between aspartic acid and histidine.

NM_003803.4(MYOM1):c.457G>C (p.Asp153His)

Gene: MYOM1 (myomesin 1; minus strand). Cytogenetic location: 18p11.31.
Variant type: single nucleotide variant.
Coding change: c.457G>C on transcript NM_003803.4 (MANE Select); coding-DNA position 457, G replaced by C.
Protein change: p.Asp153His; replaces aspartic acid 153 with histidine.
Molecular consequence: missense variant.
Genome position (GRCh38, 1-based): chr18:3,189,062, C>G on the plus strand (G>C on the coding strand, the complement: MYOM1 is on the minus strand). VCF-style: chr18-3189062-C-G. GRCh37 (hg19) VCF-style: chr18-3189060-C-G.
Other names: c.457G>C, p.Asp153His (NM_019856.2); short protein forms D153H.
Identifiers: ClinVar variation 1500392 (VCV001500392.6), dbSNP rs2144151532, ClinGen allele CA401717055.